The following is an entry in ClinVar:

NM_182914.3(SYNE2):c.5573T>A (p.Leu1858His)

Gene: SYNE2 (spectrin repeat containing nuclear envelope protein 2; plus strand). Cytogenetic location: 14q23.2.
Variant type: single nucleotide variant.
Coding change: c.5573T>A on transcript NM_182914.3 (MANE Select); coding-DNA position 5573, T replaced by A.
Protein change: p.Leu1858His; replaces leucine 1858 with histidine.
Molecular consequence: missense variant.
Genome position (GRCh38, 1-based): chr14:64,022,799, T>A. VCF-style: chr14-64022799-T-A. GRCh37 (hg19) VCF-style: chr14-64489517-T-A.
Other names: c.5573T>A, p.Leu1858His (NM_015180.6); short protein forms L1858H.
Identifiers: ClinVar variation 3660216 (VCV003660216.2).

ClinVar aggregate classification (germline): Uncertain significance (1 of 4 stars; one submission).

Conditions:
Emery-Dreifuss muscular dystrophy 5, autosomal dominant (EDMD5). Also called: EMERY-DREIFUSS MUSCULAR DYSTROPHY 5. Identifiers: Orphanet 261, MedGen C2751805, MONDO:0013072, OMIM 612999.

Submission:

Labcorp Genetics (formerly Invitae), Labcorp
Classification: Uncertain significance for Emery-Dreifuss muscular dystrophy 5, autosomal dominant. Last evaluated: 2024-11-27. Review status: criteria provided, single submitter. Criteria: Invitae Variant Classification Sherloc (09022015). Collection method: clinical testing. Allele origin: germline.
Comment: This sequence change replaces leucine, which is neutral and non-polar, with histidine, which is basic and polar, at codon 1858 of the SYNE2 protein (p.Leu1858His). This variant is not present in population databases (gnomAD no frequency). This variant has not been reported in the literature in individuals affected with SYNE2-related conditions. An algorithm developed to predict the effect of missense changes on protein structure and function (PolyPhen-2) suggests that this variant is likely to be disruptive. In summary, the available evidence is currently insufficient to determine the role of this variant in disease. Therefore, it has been classified as a Variant of Uncertain Significance.